The following is an entry in ClinVar:

ClinVar aggregate classification (germline): Uncertain significance (1 of 4 stars; one submission).

Conditions:
Cardiovascular phenotype. Identifiers: MedGen CN230736.

Submission:

Ambry Genetics
Classification: Uncertain significance for Cardiovascular phenotype. Last evaluated: 2025-07-06. Review status: criteria provided, single submitter. Criteria: Ambry Variant Classification Scheme 2023. Collection method: clinical testing. Allele origin: germline.
Comment: The p.S2250A variant (also known as c.6748T>G), located in coding exon 18 of the TNXB gene, results from a T to G substitution at nucleotide position 6748. The serine at codon 2250 is replaced by alanine, an amino acid with similar properties. This amino acid position is conserved. In addition, this alteration is predicted to be tolerated by in silico analysis. Based on the available evidence, the clinical significance of this variant remains unclear.

NM_001365276.2(TNXB):c.6748T>G (p.Ser2250Ala)

Gene: TNXB (tenascin XB; minus strand). Cytogenetic location: 6p21.33.
Variant type: single nucleotide variant.
Coding change: c.6748T>G on transcript NM_001365276.2 (MANE Select); coding-DNA position 6748, T replaced by G.
Protein change: p.Ser2250Ala; replaces serine 2250 with alanine.
Molecular consequence: missense variant.
Genome position (GRCh38, 1-based): chr6:32,064,914, A>C on the plus strand (T>G on the coding strand, the complement: TNXB is on the minus strand). VCF-style: chr6-32064914-A-C. GRCh37 (hg19) VCF-style: chr6-32032691-A-C.
Other names: c.7489T>G, p.Ser2497Ala (NM_001428335.1); c.6748T>G, p.Ser2250Ala (NM_019105.8); short protein forms S2250A, S2497A.
Identifiers: ClinVar variation 4188686 (VCV004188686.1).
Genomic context (GRCh38, chr6:32,064,914, plus strand): 5'-GCTGGCCACCGTGGAAGCCGTACAGGTTCATCTTGTACTTGTGGTCTGGCTCCAGGCCCG[A>C]GATGGTGACCCCATCCTCGTGTCCCGGCACCCGCACCGCCTTGGGCTGCCCGTCCCCATT-3'
Protein context (NP_001352205.1, residues 2240-2260): VPGHEDGVTI[Ser2250Ala]GLEPDHKYKM